The following is an entry in ClinVar:

ClinVar aggregate classification (germline): Uncertain significance. Review status: criteria provided, multiple submitters, no conflicts (2 of 4 stars). 3 submissions from 3 submitters: Uncertain significance (3). Last evaluated 2026-09-04.

Conditions:
Inborn genetic diseases. Identifiers: MedGen C0950123, MeSH D030342.
Recessive dystrophic epidermolysis bullosa (RDEB). Also called: Recessive DEB (RDEB); EPIDERMOLYSIS BULLOSA DYSTROPHICA, GENERALIZED SEVERE, AUTOSOMAL RECESSIVE; severe generalized recessive dystrophic epidermolysis bullosa; Epidermolysis Bullosa Distrophica Autosomal Recessive (RDEB); DYSTROPHIC EPIDERMOLYSIS BULLOSA, AUTOSOMAL RECESSIVE; EPIDERMOLYSIS BULLOSA DYSTROPHICA, HALLOPEAU-SIEMENS TYPE. Identifiers: Orphanet 79408, Orphanet 79409, MedGen C0079474, MONDO:0009179, OMIM 226600.

gnomAD v4.1: 20 of 1,614,090 alleles (0.0012%); highest among the groups gnomAD compares: South Asian, 0.0077%; no homozygotes.

Submissions (3):

Myriad Genetics, Inc.
Classification: Uncertain significance for Recessive dystrophic epidermolysis bullosa. Last evaluated: 2026-09-04. Review status: criteria provided, single submitter. Criteria: Myriad Autosomal Dominant, Autosomal Recessive and X-Linked Classification Criteria (2023). Collection method: clinical testing. Allele origin: unknown.
Comment: NM_000094.3(COL7A1):c.1172A>G(Y391C) is a missense variant classified as a variant of uncertain significance in the context of dystrophic epidermolysis bullosa. Y391C has not been observed in cases with relevant disease. Relevant functional assessments of this variant are not available in the literature. Y391C has been observed in referenced population frequency databases. In summary, there is insufficient evidence to classify NM_000094.3(COL7A1):c.1172A>G(Y391C) as pathogenic or benign. Please note: this variant was assessed in the context of healthy population screening.

Ambry Genetics
Classification: Uncertain significance for Inborn genetic diseases. Last evaluated: 2025-02-18. Review status: criteria provided, single submitter. Criteria: Ambry Variant Classification Scheme 2023. Collection method: clinical testing. Allele origin: germline.

Women's Health and Genetics/Laboratory Corporation of America, LabCorp
Classification: Uncertain significance. Last evaluated: 2024-08-08. Review status: criteria provided, single submitter. Criteria: LabCorp Variant Classification Summary - May 2015. Collection method: clinical testing. Allele origin: germline.
Comment: Variant summary: COL7A1 c.1172A>G (p.Tyr391Cys) results in a non-conservative amino acid change located in the Fibronectin type III domain (IPR003961) of the encoded protein sequence. Five of five in-silico tools predict a damaging effect of the variant on protein function. The variant allele was found at a frequency of 8e-06 in 251296 control chromosomes. The available data on variant occurrences in the general population are insufficient to allow any conclusion about variant significance. To our knowledge, no occurrence of c.1172A>G in individuals affected with Dystrophic Epidermolysis Bullosa, Recessive and no experimental evidence demonstrating its impact on protein function have been reported. No submitters have cited clinical-significance assessments for this variant to ClinVar. Based on the evidence outlined above, the variant was classified as uncertain significance.

NM_000094.4(COL7A1):c.1172A>G (p.Tyr391Cys)

Gene: COL7A1 (collagen type VII alpha 1 chain; minus strand). Cytogenetic location: 3p21.31.
Variant type: single nucleotide variant.
Coding change: c.1172A>G on transcript NM_000094.4 (MANE Select); coding-DNA position 1172, A replaced by G.
Protein change: p.Tyr391Cys; replaces tyrosine 391 with cysteine.
Molecular consequence: missense variant.
Genome position (GRCh38, 1-based): chr3:48,592,170, T>C on the plus strand (A>G on the coding strand, the complement: COL7A1 is on the minus strand). VCF-style: chr3-48592170-T-C. GRCh37 (hg19) VCF-style: chr3-48629603-T-C.
Other names: short protein forms Y391C.
Identifiers: ClinVar variation 3366400 (VCV003366400.3).